The following is an entry in ClinVar:

NM_000138.5(FBN1):c.1954T>C (p.Cys652Arg)

Gene: FBN1 (fibrillin 1; minus strand). Cytogenetic location: 15q21.1.
Variant type: single nucleotide variant.
Coding change: c.1954T>C on transcript NM_000138.5 (MANE Select); coding-DNA position 1954, T replaced by C.
Protein change: p.Cys652Arg; replaces cysteine 652 with arginine.
Molecular consequence: missense variant.
Genome position (GRCh38, 1-based): chr15:48,505,031, A>G on the plus strand (T>C on the coding strand, the complement: FBN1 is on the minus strand). VCF-style: chr15-48505031-A-G. GRCh37 (hg19) VCF-style: chr15-48797228-A-G.
Other names: short protein forms C652R.
Identifiers: ClinVar variation 839687 (VCV000839687.9), dbSNP rs2043696438, ClinGen allele CA392338967.

ClinVar aggregate classification (germline): Pathogenic (1 of 4 stars; one submission).

Conditions:
Familial thoracic aortic aneurysm and aortic dissection (TAAD). Also called: Thoracic aortic aneurysms and dissections. Identifiers: Orphanet 91387, MedGen C4707243, MONDO:0019625.
Marfan syndrome (MFS). Also called: FBN1-Related Marfan Syndrome; Marfan's syndrome; MARFAN SYNDROME, TYPE I; Marfan syndrome type 1; Marfan syndrome, classic. Identifiers: Orphanet 284963, Orphanet 558, MedGen C0024796, MONDO:0007947, OMIM 154700.

Submission:

Labcorp Genetics (formerly Invitae), Labcorp
Classification: Pathogenic for Marfan syndrome; Familial thoracic aortic aneurysm and aortic dissection. Last evaluated: 2025-07-28. Review status: criteria provided, single submitter. Criteria: Invitae Variant Classification Sherloc (09022015). Collection method: clinical testing. Allele origin: germline.
Comment: This sequence change replaces cysteine, which is neutral and slightly polar, with arginine, which is basic and polar, at codon 652 of the FBN1 protein (p.Cys652Arg). This variant is not present in population databases (gnomAD no frequency). This missense change has been observed in individual(s) with Marfan syndrome (PMID: 24161884; internal data). ClinVar contains an entry for this variant (Variation ID: 839687). Invitae Evidence Modeling of protein sequence and biophysical properties (such as structural, functional, and spatial information, amino acid conservation, physicochemical variation, residue mobility, and thermodynamic stability) indicates that this missense variant is expected to disrupt FBN1 protein function with a positive predictive value of 95%. This variant affects a cysteine residue in the EGF-like, TGFBP or hybrid motif domains of FBN1. Cysteine residues are believed to be involved in intramolecular disulfide bridges and have been shown to be important for FBN1 protein structure (PMID: 16905551, 19349279). In addition, missense substitutions affecting cysteine residues within these domains are significantly overrepresented among patients with Marfan syndrome (PMID: 16571647, 17701892). For these reasons, this variant has been classified as Pathogenic.

Literature cited by the submitters: PubMed 24161884; PubMed 16905551; PubMed 19349279; PubMed 16571647; PubMed 17701892.